The following is an entry in ClinVar:

ClinVar aggregate classification (germline): Uncertain significance (1 of 4 stars; one submission).

Submission:

Labcorp Genetics (formerly Invitae), Labcorp
Classification: Uncertain significance. Last evaluated: 2025-12-25. Review status: criteria provided, single submitter. Criteria: Invitae Variant Classification Sherloc (09022015). Collection method: clinical testing. Allele origin: germline.
Comment: This variant, c.230_232dup, results in the insertion of 1 amino acid(s) of the ATRN protein (p.Leu77dup), but otherwise preserves the integrity of the reading frame. This variant is present in population databases (rs773492637, gnomAD 0.07%). This variant has not been reported in the literature in individuals affected with ATRN-related conditions. Experimental studies and prediction algorithms are not available or were not evaluated, and the functional significance of this variant is currently unknown. In summary, the available evidence is currently insufficient to determine the role of this variant in disease. Therefore, it has been classified as a Variant of Uncertain Significance.

NM_139321.3(ATRN):c.215TGC[7] (p.Leu77_Pro78insLeu)

Genes: ATRN (attractin; plus strand), LOC130065331 (ATAC-STARR-seq lymphoblastoid silent region 12621; plus strand). Cytogenetic location: 20p13.
Variant type: Microsatellite.
Coding change: c.215TGC[7] on transcript NM_139321.3 (MANE Select); seven copies in a row of the 3-base unit TGC starting at c.215; the reference has six copies in a row; one copy, 3 bases duplicated.
Protein change: p.Leu77_Pro78insLeu.
Molecular consequence: inframe insertion. On other transcripts: intron variant (1).
Genome position (GRCh38, 1-based): chr20:3,471,337-3,471,339, TGC duplicated; duplicating any 3 consecutive bases within chr20:3,471,320-3,471,339 gives the same sequence; the position shown is the placement nearest the transcript's 3' end. VCF-style (leftmost placement, unchanged base first): chr20-3471319-C-CGCT. GRCh37 (hg19) VCF-style: chr20-3451966-C-CGCT.
Other names: c.215TGC[7], p.Leu77_Pro78insLeu (NM_001323332.2, NM_139322.4); c.62+186GCT[7] (NM_001207047.3).
Identifiers: ClinVar variation 2180326 (VCV002180326.4), dbSNP rs772463780, ClinGen allele CA9743773.